The following is an entry in ClinVar:

NM_031220.4(PITPNM3):c.1671C>T (p.Tyr557=)

Gene: PITPNM3 (PITPNM family member 3; minus strand). Cytogenetic location: 17p13.2.
Variant type: single nucleotide variant.
Coding change: c.1671C>T on transcript NM_031220.4 (MANE Select); coding-DNA position 1671, C replaced by T.
Protein change: p.Tyr557=; no amino-acid change (tyrosine 557 retained).
Molecular consequence: synonymous variant.
Genome position (GRCh38, 1-based): chr17:6,470,362, G>A on the plus strand (C>T on the coding strand, the complement: PITPNM3 is on the minus strand). VCF-style: chr17-6470362-G-A. GRCh37 (hg19) VCF-style: chr17-6373682-G-A.
Other names: c.1563C>T, p.Tyr521= (NM_001165966.2).
Identifiers: ClinVar variation 324750 (VCV000324750.23), dbSNP rs74748737, ClinGen allele CA8329419.

ClinVar aggregate classification (germline): Benign/Likely benign. Review status: criteria provided, multiple submitters, no conflicts (2 of 4 stars). 6 submissions from 6 submitters: Benign (2); Likely benign (3). 1 of the submissions does not count toward it. Last evaluated 2026-01-15.

Conditions:
PITPNM3-related disorder. Also called: PITPNM3-related condition.
Cone-rod dystrophy 5 (CORD5). Identifiers: Orphanet 1872, MedGen C1832976, MONDO:0010969, OMIM 600977.

Allele frequency attached by ClinVar (database versions not stated): ESP Exome Variant Server 0.00008; gnomAD 0.00041 and 0.00065; gnomAD exomes 0.00067 and 0.00161; TOPMed 0.00102; 1000 Genomes Project 30x 0.00125; 1000 Genomes Project 0.00140; ExAC 0.00159.

Submissions (6):

Labcorp Genetics (formerly Invitae), Labcorp
Classification: Benign. Last evaluated: 2026-01-15. Review status: criteria provided, single submitter. Criteria: Invitae Variant Classification Sherloc (09022015). Collection method: clinical testing. Allele origin: germline.

Blueprint Genetics
Classification: Likely benign. Last evaluated: 2024-10-09. Review status: criteria provided, single submitter. Criteria: ACMG Guidelines, 2015. Collection method: clinical testing. Allele origin: germline.

Fulgent Genetics
Classification: Likely benign for Cone-rod dystrophy 5. Last evaluated: 2021-09-20. Review status: criteria provided, single submitter. Criteria: ACMG Guidelines, 2015. Collection method: clinical testing. Allele origin: unknown.

Illumina Laboratory Services, Illumina
Classification: Benign for Cone-rod dystrophy 5. Last evaluated: 2018-01-12. Review status: criteria provided, single submitter. Criteria: ICSL Variant Classification Criteria 13 December 2019. Collection method: clinical testing. Allele origin: germline.
Comment: This variant was observed in the ICSL laboratory as part of a predisposition screen in an ostensibly healthy population. It had not been previously curated by ICSL or reported in the Human Gene Mutation Database (HGMD: prior to June 1st, 2018), and was therefore a candidate for classification through an automated scoring system. Utilizing variant allele frequency, disease prevalence and penetrance estimates, and inheritance mode, an automated score was calculated to assess if this variant is too frequent to cause the disease. Based on the score and internal cut-off values, a variant classified as benign is not then subjected to further curation. The score for this variant resulted in a classification of benign for this disease.

Eurofins Ntd Llc (ga)
Classification: Likely benign. Last evaluated: 2016-11-17. Review status: criteria provided, single submitter. Criteria: EGL Classification Definitions 2015. Collection method: clinical testing. Allele origin: germline. Observed: 1 variant allele, 1 heterozygote.

PreventionGenetics, part of Exact Sciences
Classification: Benign for PITPNM3-related condition. Last evaluated: 2019-06-21. Review status: no assertion criteria provided. Collection method: clinical testing. Allele origin: germline. Not counted in ClinVar's aggregate classification.
Comment: This variant is classified as benign based on ACMG/AMP sequence variant interpretation guidelines (Richards et al. 2015 PMID: 25741868, with internal and published modifications).